The following is an entry in ClinVar:

ClinVar aggregate classification (germline): Uncertain significance. Review status: criteria provided, multiple submitters, no conflicts (2 of 4 stars). 2 submissions from 2 submitters: Uncertain significance (2). Last evaluated 2023-10-01.

Conditions:
Autosomal recessive limb-girdle muscular dystrophy type 2J (LGMDR10). Also called: MUSCULAR DYSTROPHY, LIMB-GIRDLE, AUTOSOMAL RECESSIVE 10; Limb-girdle muscular dystrophy, type 2J. Identifiers: Orphanet 140922, MedGen C1837342, MONDO:0012127, OMIM 608807.
Dilated cardiomyopathy 1G (CMD1G). Identifiers: Orphanet 154, MedGen C1858763, MONDO:0011400, OMIM 604145.

Submissions (2):

CeGaT Center for Human Genetics Tuebingen
Classification: Uncertain significance. Last evaluated: 2023-10-01. Review status: criteria provided, single submitter. Criteria: CeGaT Center For Human Genetics Tuebingen Variant Classification Criteria Version 2. Collection method: clinical testing. Allele origin: germline. Affected: yes. Observed: 1 variant allele.
Comment: TTN: PM2

Labcorp Genetics (formerly Invitae), Labcorp
Classification: Uncertain significance for Dilated cardiomyopathy 1G; Autosomal recessive limb-girdle muscular dystrophy type 2J. Last evaluated: 2022-06-13. Review status: criteria provided, single submitter. Criteria: Invitae Variant Classification Sherloc (09022015). Collection method: clinical testing. Allele origin: germline.
Comment: In summary, the available evidence is currently insufficient to determine the role of this variant in disease. Therefore, it has been classified as a Variant of Uncertain Significance. This variant is located in the M band of TTN (PMID: 25589632). Variants in this region may be relevant for neuromuscular disorders, but have not been definitively shown to cause cardiomyopathy (PMID: 23975875). Experimental studies and prediction algorithms are not available or were not evaluated, and the functional significance of this variant is currently unknown. This variant has not been reported in the literature in individuals affected with TTN-related conditions. This variant is not present in population databases (gnomAD no frequency). This sequence change replaces asparagine with threonine at codon 35496 of the TTN protein (p.Asn35496Thr). There is a small physicochemical difference between asparagine and threonine.

Literature cited by the submitters: PubMed 25589632 (cited by Labcorp Genetics (formerly Invitae), Labcorp); PubMed 23975875 (cited by Labcorp Genetics (formerly Invitae), Labcorp).

NM_001267550.2(TTN):c.106487A>C (p.Asn35496Thr)

Genes: TTN (titin; minus strand), TTN-AS1 (TTN antisense RNA 1; plus strand). Cytogenetic location: 2q31.2.
Variant type: single nucleotide variant.
Coding change: c.106487A>C on transcript NM_001267550.2 (MANE Select); coding-DNA position 106487, A replaced by C.
Protein change: p.Asn35496Thr; replaces asparagine 35496 with threonine.
Molecular consequence: missense variant.
Genome position (GRCh38, 1-based): chr2:178,530,004, T>G on the plus strand (A>C on the coding strand, the complement: TTN is on the minus strand). VCF-style: chr2-178530004-T-G. GRCh37 (hg19) VCF-style: chr2-179394731-T-G.
Other names: c.101564A>C, p.Asn33855Thr (NM_001256850.1); c.79292A>C, p.Asn26431Thr (NM_003319.4); c.98783A>C, p.Asn32928Thr (NM_133378.4); c.79667A>C, p.Asn26556Thr (NM_133432.3); c.79868A>C, p.Asn26623Thr (NM_133437.4); short protein forms N32928T, N35496T, N26431T, N33855T, N26556T, N26623T.
Identifiers: ClinVar variation 1367109 (VCV001367109.32), dbSNP rs2154132393, ClinGen allele CA349405091.
Genomic context (GRCh38, chr2:178,530,004, plus strand): 5'-ACAAAAGCCAACCTACCTTTTATTGTTAATTTGCAGCTAGAGGACACAGATCCAGCTGAA[T>G]TTTTTACTGTACAAGTATAAAGTCCACTGTCAGAAGTATCAGTCTTATGAATTTCTAAGA-3'
Protein context (NP_001254479.2, residues 35486-35506): DSGLYTCTVK[Asn35496Thr]SAGSVSSSCK